The following is an entry in ClinVar:

NM_000548.5(TSC2):c.3877T>G (p.Trp1293Gly)

Gene: TSC2 (TSC complex subunit 2; plus strand). Cytogenetic location: 16p13.3.
Variant type: single nucleotide variant.
Coding change: c.3877T>G on transcript NM_000548.5 (MANE Select); coding-DNA position 3877, T replaced by G.
Protein change: p.Trp1293Gly; replaces tryptophan 1293 with glycine.
Molecular consequence: missense variant. On other transcripts: non-coding transcript variant (1), intron variant (33).
Genome position (GRCh38, 1-based): chr16:2,082,498, T>G. VCF-style: chr16-2082498-T-G. GRCh37 (hg19) VCF-style: chr16-2132499-T-G.
Other names: c.3145T>G, p.Trp1049Gly (NM_001318831.2); c.3745T>G, p.Trp1249Gly (NM_001370404.1, NM_001406665.1); c.3748T>G, p.Trp1250Gly (NM_001370405.1, NM_021055.3); c.3874T>G, p.Trp1292Gly (NM_001406663.1); c.3277T>G, p.Trp1093Gly (NM_001406680.1); c.2404T>G, p.Trp802Gly (NM_001406690.1); c.2401T>G, p.Trp801Gly (NM_001406691.1); c.2341+700T>G (NM_001406693.1, NM_001406692.1, NM_001406694.1); and 25 more; short protein forms W1049G, W1093G, W1249G, W1293G, W1250G, W1292G, W801G, W802G.
Identifiers: ClinVar variation 2564692 (VCV002564692.2), dbSNP rs1596404879, ClinGen allele CA394295248.
Genomic context (GRCh38, chr16:2,082,498, plus strand): 5'-GCCTCTTTCTCCTCCCTGTACCAGTCCAGCTGCCAAGGACAGCTGCACAGGAGCGTTTCC[T>G]GGGCAGGTATCGCCTCTCAGAGGGAAGCGGTTGGCTGCAGAGCGCCACTCTGCCTCATAG-3'
Protein context (NP_000539.2, residues 1283-1303): CQGQLHRSVS[Trp1293Gly]ADSAVVMEEG

ClinVar aggregate classification (germline): Uncertain significance (1 of 4 stars; one submission).

Conditions:
Hereditary cancer-predisposing syndrome. Also called: Neoplastic Syndromes, Hereditary; Hereditary Cancer Syndrome; Hereditary neoplastic syndrome; Tumor predisposition. Identifiers: Orphanet 140162, MedGen C0027672, MeSH D009386, MONDO:0015356.

Submission:

Ambry Genetics
Classification: Uncertain significance for Hereditary cancer-predisposing syndrome. Last evaluated: 2023-04-18. Review status: criteria provided, single submitter. Criteria: Ambry Variant Classification Scheme 2023. Collection method: clinical testing. Allele origin: germline.
Comment: The p.W1293G variant (also known as c.3877T>G), located in coding exon 31 of the TSC2 gene, results from a T to G substitution at nucleotide position 3877. The tryptophan at codon 1293 is replaced by glycine, an amino acid with highly dissimilar properties. This amino acid position is conserved. In addition, this alteration is predicted to be deleterious by in silico analysis. Since supporting evidence is limited at this time, the clinical significance of this alteration remains unclear.